The following is an entry in ClinVar:

ClinVar aggregate classification (germline): Uncertain significance (1 of 4 stars; one submission).

Conditions:
Hereditary cancer-predisposing syndrome. Also called: Neoplastic Syndromes, Hereditary; Tumor predisposition; Hereditary neoplastic syndrome; Hereditary Cancer Syndrome. Identifiers: Orphanet 140162, MedGen C0027672, MeSH D009386, MONDO:0015356.
Cardiovascular phenotype. Identifiers: MedGen CN230736.

Submission:

Ambry Genetics
Classification: Uncertain significance for Cardiovascular phenotype; Hereditary cancer-predisposing syndrome. Last evaluated: 2025-04-28. Review status: criteria provided, single submitter. Criteria: Ambry Variant Classification Scheme 2023. Collection method: clinical testing. Allele origin: germline.
Comment: The p.G751A variant (also known as c.2252G>C) is located in coding exon 19 of the NF1 gene. The glycine at codon 751 is replaced by alanine, an amino acid with similar properties. This change occurs in the first base pair of coding exon 19. This amino acid position is highly conserved in available vertebrate species. In addition, this alteration is predicted to be deleterious by in silico analysis. Since supporting evidence is limited at this time, the clinical significance of this alteration remains unclear.

NM_001042492.3(NF1):c.2252G>C (p.Gly751Ala)

Gene: NF1 (neurofibromin 1; plus strand). Cytogenetic location: 17q11.2.
Variant type: single nucleotide variant.
Coding change: c.2252G>C on transcript NM_001042492.3 (MANE Select); coding-DNA position 2252, G replaced by C.
Protein change: p.Gly751Ala; replaces glycine 751 with alanine.
Molecular consequence: missense variant.
Genome position (GRCh38, 1-based): chr17:31,227,218, G>C. VCF-style: chr17-31227218-G-C. GRCh37 (hg19) VCF-style: chr17-29554236-G-C.
Other names: c.2252G>C, p.Gly751Ala (NM_000267.4); short protein forms G751A.
Identifiers: ClinVar variation 3237671 (VCV003237671.2), dbSNP rs2151426834.
Genomic context (GRCh38, chr17:31,227,218, plus strand): 5'-TCTCCATTGGCAGGCAGGGCTCTAAGTGCAGTAACTTGATTTGCTGTTGTATTTGCTTAG[G>C]AAGAGCAGCACTTCAGAAAAGAGTGATGGCACTGCTGAGGCGCATTGAGCATCCCACTGC-3'
Protein context (NP_001035957.1, residues 741-761): FASVSNMMST[Gly751Ala]RAALQKRVMA